The following is an entry in ClinVar:

NM_172107.4(KCNQ2):c.1540G>A (p.Gly514Arg)

Gene: KCNQ2 (potassium voltage-gated channel subfamily Q member 2; minus strand). Cytogenetic location: 20q13.33.
Variant type: single nucleotide variant.
Coding change: c.1540G>A on transcript NM_172107.4 (MANE Select); coding-DNA position 1540, G replaced by A.
Protein change: p.Gly514Arg; replaces glycine 514 with arginine.
Molecular consequence: missense variant.
Genome position (GRCh38, 1-based): chr20:63,414,179, C>T on the plus strand (G>A on the coding strand, the complement: KCNQ2 is on the minus strand). VCF-style: chr20-63414179-C-T. GRCh37 (hg19) VCF-style: chr20-62045532-C-T.
Other names: p.G514R:GGA>AGA; c.1486G>A, p.Gly496Arg (NM_001382235.1, NM_172106.3); c.1483G>A, p.Gly495Arg (NM_001439003.1); c.1453G>A, p.Gly485Arg (NM_001439004.1); c.1456G>A, p.Gly486Arg (NM_004518.6); c.1447G>A, p.Gly483Arg (NM_172108.5); short protein forms G514R, G483R, G496R, G486R, G485R, G495R.
Identifiers: ClinVar variation 205948 (VCV000205948.10), dbSNP rs772669887, ClinGen allele CA315564.
Genomic context (GRCh38, chr20:63,414,179, plus strand): 5'-GGGTCAGGTCCTCGGTCACAAACTCGCAGGGGCAGCTCTTGTCATCCACAATGTCCTCTC[C>T]GGGGAGGCTTGCTTCTGGGGGGAAGGAGACAGGCCGTGAGGGGCCGAGGGGGCCGGGAGA-3'
Protein context (NP_742105.1, residues 504-524): RQNSEEASLP[Gly514Arg]EDIVDDKSCP

ClinVar aggregate classification (germline): Uncertain significance. Review status: criteria provided, multiple submitters, no conflicts (2 of 4 stars). 2 submissions from 2 submitters: Uncertain significance (2). Last evaluated 2024-09-01.

Conditions:
Early-infantile DEE. Also called: Early infantile epileptic encephalopathy; Ohtahara syndrome; Early infantile epileptic encephalopathy with suppression bursts. Identifiers: Orphanet 1934, MedGen C0393706, MONDO:0800491.

Allele frequency attached by ClinVar (database versions not stated): gnomAD 0.00001; TOPMed 0.00001; ExAC 0.00005; gnomAD exomes 0.00001 and 0.00003.
gnomAD v4.1: 21 of 1,613,324 alleles (0.0013%); highest among the groups gnomAD compares: East Asian, 0.0045%; no homozygotes.

Submissions (2):

Labcorp Genetics (formerly Invitae), Labcorp
Classification: Uncertain significance for Early-infantile DEE. Last evaluated: 2024-09-01. Review status: criteria provided, single submitter. Criteria: Invitae Variant Classification Sherloc (09022015). Collection method: clinical testing. Allele origin: germline.
Comment: This sequence change replaces glycine, which is neutral and non-polar, with arginine, which is basic and polar, at codon 514 of the KCNQ2 protein (p.Gly514Arg). This variant is present in population databases (rs772669887, gnomAD 0.01%). This variant has not been reported in the literature in individuals affected with KCNQ2-related conditions. ClinVar contains an entry for this variant (Variation ID: 205948). Invitae Evidence Modeling of protein sequence and biophysical properties (such as structural, functional, and spatial information, amino acid conservation, physicochemical variation, residue mobility, and thermodynamic stability) indicates that this missense variant is expected to disrupt KCNQ2 protein function with a positive predictive value of 95%. In summary, the available evidence is currently insufficient to determine the role of this variant in disease. Therefore, it has been classified as a Variant of Uncertain Significance.

GeneDx
Classification: Uncertain significance. Last evaluated: 2018-11-15. Review status: criteria provided, single submitter. Criteria: GeneDx Variant Classification (06012015). Collection method: clinical testing. Allele origin: germline. Affected: yes.
Comment: p.Gly514Arg (GGA>AGA): c.1540 G>A in exon 14 of the KCNQ2 gene (NM_172107.2) A variant of unknown significance has been identified in the KCNQ2 gene. The G514R variant has not been published as a mutation, nor has it been reported as a benign polymorphism to our knowledge. It was not observed in approximately 6,500 individuals of European and African American ancestry in the NHLBI Exome Sequencing Project, indicating it is not a common benign variant in these populations. The G514R variant is a non-conservative amino acid substitution, which is likely to impact secondary protein structure as these residues differ in polarity, charge, size and/or other properties. In silico analysis predicts this variant is probably damaging to the protein structure/function. This substitution occurs at a position that is conserved across species, however Arginine is observed at this position in one distantly related species. Therefore, based on the currently available information, it is unclear whether this variant is a pathogenic mutation or a rare benign variant. The variant is found in EPILEPSY panel(s).